The following is an entry in ClinVar:

ClinVar aggregate classification (germline): Uncertain significance (1 of 4 stars; one submission).

Conditions:
Prader-Willi syndrome (PWS). Identifiers: Orphanet 739, MedGen C0032897, MONDO:0008300, OMIM 176270. Disease mechanism: loss of function, Microdeletion. Inheritance: Microdletion.

Allele frequency attached by ClinVar (database versions not stated): gnomAD exomes below 0.00001 and 0.00001; gnomAD 0.00001; TOPMed 0.00001.
gnomAD v4.1: 12 of 1,612,974 alleles (0.00074%); highest among the groups gnomAD compares: South Asian, 0.0011%; no homozygotes.

Submission:

Centre for Mendelian Genomics, University Medical Centre Ljubljana
Classification: Uncertain significance for Prader-Willi syndrome. Last evaluated: 2019-12-20. Review status: criteria provided, single submitter. Criteria: ACMG Guidelines, 2015. Collection method: clinical testing. Allele origin: unknown. Affected: yes.
Comment: This variant was classified as: Uncertain significance. The available evidence on this variant's pathogenicity is insufficient or conflicting. The following ACMG criteria were applied in classifying this variant: PM2,PP3.

NM_004667.6(HERC2):c.8598C>G (p.Ile2866Met)

Gene: HERC2 (HECT and RLD domain containing E3 ubiquitin protein ligase 2; minus strand). Cytogenetic location: 15q13.1.
Variant type: single nucleotide variant.
Coding change: c.8598C>G on transcript NM_004667.6 (MANE Select); coding-DNA position 8598, C replaced by G.
Protein change: p.Ile2866Met; replaces isoleucine 2866 with methionine.
Molecular consequence: missense variant.
Genome position (GRCh38, 1-based): chr15:28,191,016, G>C on the plus strand (C>G on the coding strand, the complement: HERC2 is on the minus strand). VCF-style: chr15-28191016-G-C. GRCh37 (hg19) VCF-style: chr15-28436162-G-C.
Other names: short protein forms I2866M.
Identifiers: ClinVar variation 930652 (VCV000930652.3), dbSNP rs1009967374, ClinGen allele CA267932462.